The following is an entry in ClinVar:

NM_000213.5(ITGB4):c.*3G>A

Genes: GALK1 (galactokinase 1; minus strand), ITGB4 (integrin subunit beta 4; plus strand). Cytogenetic location: 17q25.1.
Variant type: single nucleotide variant.
Coding change: c.*3G>A on transcript NM_000213.5 (MANE Select); 3 bases downstream of the stop codon, G replaced by A.
Molecular consequence: 3 prime UTR variant. On other transcripts: intron variant (1).
Genome position (GRCh38, 1-based): chr17:75,757,558, G>A. VCF-style: chr17-75757558-G-A. GRCh37 (hg19) VCF-style: chr17-73753639-G-A.
Other names: c.*3G>A (NM_001005619.2, NM_001005731.3, NM_001321123.2 and 1 more transcripts); c.*22+476C>T (NM_001381985.1).
Identifiers: ClinVar variation 891275 (VCV000891275.7), dbSNP rs375665623, ClinGen allele CA8770618.
Genomic context (GRCh38, chr17:75,757,558, plus strand): 5'-ACTGACCACCAGCGGAACCCTTAGCACCCACATGGACCAACAGTTCTTCCAAACTTGACC[G>A]CACCCTGCCCCACCCCCGCCACGTCCCACTAGGCGTCCTCCCGACTCCTCTCCCGGAGCC-3'

ClinVar aggregate classification (germline): Uncertain significance. Review status: criteria provided, multiple submitters, no conflicts (2 of 4 stars). 3 submissions from 3 submitters: Uncertain significance (2). 1 of the submissions does not count toward it. Last evaluated 2018-01-13.

Conditions:
ITGB4-related disorder. Also called: ITGB4-related condition.
Junctional epidermolysis bullosa with pyloric atresia. Also called: Junctional Epidermolysis Bullosa- Pyloric Atresia Syndrome; EPIDERMOLYSIS BULLOSA, JUNCTIONAL 5B, WITH PYLORIC ATRESIA; Epidermolysis bullosa, junctional, with pyloric atresia and aplasia cutis congenita; Epidermolysis bullosa junctionalis with pyloric atresia; APLASIA CUTIS CONGENITA WITH GASTROINTESTINAL ATRESIA; CARMI SYNDROME. Identifiers: Orphanet 79403, MedGen C5676875, MONDO:0009183, OMIM 226730.

Allele frequency attached by ClinVar (database versions not stated): gnomAD 0.00014 and 0.00017; TOPMed 0.00017; gnomAD exomes 0.00018; 1000 Genomes Project 0.00040; ESP Exome Variant Server 0.00015; ExAC 0.00017; 1000 Genomes Project 30x 0.00047.
gnomAD v4.1: 315 of 1,613,180 alleles (0.02%); highest among the groups gnomAD compares: Admixed American, 0.025%; no homozygotes.

Submissions (3):

Illumina Laboratory Services, Illumina
Classification: Uncertain significance for Junctional epidermolysis bullosa with pyloric atresia. Last evaluated: 2018-01-13. Review status: criteria provided, single submitter. Criteria: ICSL Variant Classification Criteria 13 December 2019. Collection method: clinical testing. Allele origin: germline.

Breakthrough Genomics
Classification: Uncertain significance. Review status: criteria provided, single submitter. Criteria: ACMG Guidelines, 2015. Collection method: not provided. Allele origin: germline. Inheritance: Autosomal recessive inheritance. Affected: yes.

PreventionGenetics, part of Exact Sciences
Classification: Likely benign for ITGB4-related condition. Last evaluated: 2021-06-16. Review status: no assertion criteria provided. Collection method: clinical testing. Allele origin: germline. Not counted in ClinVar's aggregate classification.
Comment: This variant is classified as likely benign based on ACMG/AMP sequence variant interpretation guidelines (Richards et al. 2015 PMID: 25741868, with internal and published modifications).